The following is an entry in ClinVar:

NM_021976.5(RXRB):c.1152C>T (p.Phe384=)

Gene: RXRB (retinoid X receptor beta; minus strand). Cytogenetic location: 6p21.32.
Variant type: single nucleotide variant.
Coding change: c.1152C>T on transcript NM_021976.5 (MANE Select); coding-DNA position 1152, C replaced by T.
Protein change: p.Phe384=; no amino-acid change (phenylalanine 384 retained).
Molecular consequence: synonymous variant.
Genome position (GRCh38, 1-based): chr6:33,195,674, G>A on the plus strand (C>T on the coding strand, the complement: RXRB is on the minus strand). VCF-style: chr6-33195674-G-A. GRCh37 (hg19) VCF-style: chr6-33163451-G-A.
Other names: c.1152C>T, p.Phe384= (NM_001270401.2); c.582C>T, p.Phe194= (NM_001291989.2); c.1152C>T (NM_001270401.1).
Identifiers: ClinVar variation 1254260 (VCV001254260.4), dbSNP rs6531, ClinGen allele CA3751872.

ClinVar aggregate classification (germline): Benign. Review status: criteria provided, single submitter (1 of 4 stars). 2 submissions from 2 submitters: Benign (1). 1 of the submissions does not count toward it. Last evaluated 2019-09-27.

Conditions:
RXRB-related disorder. Also called: RXRB-related condition.

Allele frequency attached by ClinVar (database versions not stated): gnomAD exomes 0.73587 and 0.77481; ESP Exome Variant Server 0.75747; gnomAD 0.76519 and 0.77200; ExAC 0.77270; TOPMed 0.78125; 1000 Genomes Project 0.85823; 1000 Genomes Project 30x 0.85899.
gnomAD v4.1: 1,193,009 of 1,612,344 alleles (74%); highest among the groups gnomAD compares: East Asian, 98%; 444,715 homozygotes.

Submissions (2):

GeneDx
Classification: Benign. Last evaluated: 2019-09-27. Review status: criteria provided, single submitter. Criteria: GeneDx Variant Classification Process June 2021. Collection method: clinical testing. Allele origin: germline. Affected: yes.

PreventionGenetics, part of Exact Sciences
Classification: Benign for RXRB-related condition. Last evaluated: 2019-10-16. Review status: no assertion criteria provided. Collection method: clinical testing. Allele origin: germline. Not counted in ClinVar's aggregate classification.
Comment: This variant is classified as benign based on ACMG/AMP sequence variant interpretation guidelines (Richards et al. 2015 PMID: 25741868, with internal and published modifications).